The following is an entry in ClinVar:

ClinVar aggregate classification (germline): Conflicting classifications of pathogenicity. Review status: criteria provided, conflicting classifications (1 of 4 stars). 3 submissions from 3 submitters: Uncertain significance (2); Likely benign (1). Last evaluated 2024-09-18.

Conditions:
Inborn genetic diseases. Identifiers: MedGen C0950123, MeSH D030342.
Pyridoxal phosphate-responsive seizures (PNPOD). Also called: Pyridoxal 5'-Phosphate (PLP)-Dependent Epilepsy; EPILEPTIC ENCEPHALOPATHY, NEONATAL, PNPO-RELATED; SEIZURES, PYRIDOXINE-RESISTANT, PLP-SENSITIVE; Pyridoxamine 5-Prime-Phosphate Oxidase Deficiency; Pyridoxine-5'-phosphate oxidase deficiency. Identifiers: Orphanet 79096, MedGen C1864723, MONDO:0012407, OMIM 610090. Disease mechanism: loss of function.

Allele frequency attached by ClinVar (database versions not stated): gnomAD 0.00003; TOPMed 0.00005; ExAC 0.00007; ESP Exome Variant Server 0.00023.

Submissions (3):

Blueprint Genetics
Classification: Uncertain significance. Last evaluated: 2024-09-18. Review status: criteria provided, single submitter. Criteria: ACMG Guidelines, 2015. Collection method: clinical testing. Allele origin: germline.

Ambry Genetics
Classification: Likely benign for Inborn genetic diseases. Last evaluated: 2023-04-21. Review status: criteria provided, single submitter. Criteria: Ambry Variant Classification Scheme 2023. Collection method: clinical testing. Allele origin: germline.

Labcorp Genetics (formerly Invitae), Labcorp
Classification: Uncertain significance for Pyridoxal phosphate-responsive seizures. Last evaluated: 2022-10-08. Review status: criteria provided, single submitter. Criteria: Invitae Variant Classification Sherloc (09022015). Collection method: clinical testing. Allele origin: germline.
Comment: This sequence change replaces tyrosine, which is neutral and polar, with cysteine, which is neutral and slightly polar, at codon 256 of the PNPO protein (p.Tyr256Cys). This variant is present in population databases (rs148784343, gnomAD 0.2%). This variant has not been reported in the literature in individuals affected with PNPO-related conditions. ClinVar contains an entry for this variant (Variation ID: 468363). Advanced modeling of protein sequence and biophysical properties (such as structural, functional, and spatial information, amino acid conservation, physicochemical variation, residue mobility, and thermodynamic stability) performed at Invitae indicates that this missense variant is not expected to disrupt PNPO protein function. Algorithms developed to predict the effect of sequence changes on RNA splicing suggest that this variant may create or strengthen a splice site. In summary, the available evidence is currently insufficient to determine the role of this variant in disease. Therefore, it has been classified as a Variant of Uncertain Significance.

NM_018129.4(PNPO):c.767A>G (p.Tyr256Cys)

Gene: PNPO (pyridoxamine 5'-phosphate oxidase; plus strand). Cytogenetic location: 17q21.32.
Variant type: single nucleotide variant.
Coding change: c.767A>G on transcript NM_018129.4 (MANE Select); coding-DNA position 767, A replaced by G.
Protein change: p.Tyr256Cys; replaces tyrosine 256 with cysteine.
Molecular consequence: missense variant.
Genome position (GRCh38, 1-based): chr17:47,946,763, A>G. VCF-style: chr17-47946763-A-G. GRCh37 (hg19) VCF-style: chr17-46024129-A-G.
Other names: short protein forms Y256C.
Identifiers: ClinVar variation 468363 (VCV000468363.8), dbSNP rs148784343, ClinGen allele CA8629276.